The following is an entry in ClinVar:

NM_004958.4(MTOR):c.2563G>T (p.Val855Leu)

Gene: MTOR (mechanistic target of rapamycin kinase; minus strand). Cytogenetic location: 1p36.22.
Variant type: single nucleotide variant.
Coding change: c.2563G>T on transcript NM_004958.4 (MANE Select); coding-DNA position 2563, G replaced by T.
Protein change: p.Val855Leu; replaces valine 855 with leucine.
Molecular consequence: missense variant.
Genome position (GRCh38, 1-based): chr1:11,231,386, C>A on the plus strand (G>T on the coding strand, the complement: MTOR is on the minus strand). VCF-style: chr1-11231386-C-A. GRCh37 (hg19) VCF-style: chr1-11291443-C-A.
Other names: c.2563G>T, p.Val855Leu (NM_001386500.1); c.1315G>T, p.Val439Leu (NM_001386501.1); short protein forms V439L, V855L.
Identifiers: ClinVar variation 3633498 (VCV003633498.2).
Genomic context (GRCh38, chr1:11,231,386, plus strand): 5'-CAGTCTTCAGAAAATTCAGTAGCACCTCAAGCAAAGTAGGGTACTTCCTGTAGGGCTCTA[C>A]TACATAGCCAGTGCTGGCCACCAACTGTCCCAGGGTCCACAGAGCCACCTGGATAGGCAC-3'
Protein context (NP_004949.1, residues 845-865): GQLVASTGYV[Val855Leu]EPYRKYPTLL

ClinVar aggregate classification (germline): Uncertain significance (1 of 4 stars; one submission).

Submission:

Labcorp Genetics (formerly Invitae), Labcorp
Classification: Uncertain significance. Last evaluated: 2025-01-08. Review status: criteria provided, single submitter. Criteria: Invitae Variant Classification Sherloc (09022015). Collection method: clinical testing. Allele origin: germline.
Comment: This sequence change replaces valine, which is neutral and non-polar, with leucine, which is neutral and non-polar, at codon 855 of the MTOR protein (p.Val855Leu). This variant is not present in population databases (gnomAD no frequency). This variant has not been reported in the literature in individuals affected with MTOR-related conditions. Invitae Evidence Modeling of protein sequence and biophysical properties (such as structural, functional, and spatial information, amino acid conservation, physicochemical variation, residue mobility, and thermodynamic stability) indicates that this missense variant is not expected to disrupt MTOR protein function with a negative predictive value of 95%. In summary, the available evidence is currently insufficient to determine the role of this variant in disease. Therefore, it has been classified as a Variant of Uncertain Significance.